The following is an entry in ClinVar:

NM_001846.4(COL4A2):c.368C>T (p.Pro123Leu)

Gene: COL4A2 (collagen type IV alpha 2 chain; plus strand). Cytogenetic location: 13q34.
Variant type: single nucleotide variant.
Coding change: c.368C>T on transcript NM_001846.4 (MANE Select); coding-DNA position 368, C replaced by T.
Protein change: p.Pro123Leu; replaces proline 123 with leucine.
Molecular consequence: missense variant.
Genome position (GRCh38, 1-based): chr13:110,428,474, C>T. VCF-style: chr13-110428474-C-T. GRCh37 (hg19) VCF-style: chr13-111080821-C-T.
Other names: short protein forms P123L.
Identifiers: ClinVar variation 2140120 (VCV002140120.4), dbSNP rs770319113, ClinGen allele CA7048871.
Genomic context (GRCh38, chr13:110,428,474, plus strand): 5'-TGACAACTAGAAGCCTGCTGGTTGGCTGATTCTCTCACTGCTCTCTTTCCCAGGGACACC[C>T]GGGGCAAGGTGGGCCCAGGGGAAGGCCGGGCTACGATGGCTGCAACGGAACCCAGGGAGA-3'
Protein context (NP_001837.2, residues 113-133): FPGADGIPGH[Pro123Leu]GQGGPRGRPG

ClinVar aggregate classification (germline): Uncertain significance (1 of 4 stars; one submission).

Allele frequency attached by ClinVar (database versions not stated): ExAC 0.00002; TOPMed below 0.00001; gnomAD 0.00001.
gnomAD v4.1: 17 of 1,573,686 alleles (0.0011%); highest among the groups gnomAD compares: East Asian, 0.017%; no homozygotes.

Submission:

Labcorp Genetics (formerly Invitae), Labcorp
Classification: Uncertain significance. Last evaluated: 2025-05-07. Review status: criteria provided, single submitter. Criteria: Invitae Variant Classification Sherloc (09022015). Collection method: clinical testing. Allele origin: germline.
Comment: This sequence change replaces proline, which is neutral and non-polar, with leucine, which is neutral and non-polar, at codon 123 of the COL4A2 protein (p.Pro123Leu). The frequency data for this variant in the population databases is considered unreliable, as metrics indicate poor data quality at this position in the gnomAD database. This variant has not been reported in the literature in individuals affected with COL4A2-related conditions. ClinVar contains an entry for this variant (Variation ID: 2140120). Invitae Evidence Modeling of protein sequence and biophysical properties (such as structural, functional, and spatial information, amino acid conservation, physicochemical variation, residue mobility, and thermodynamic stability) indicates that this missense variant is not expected to disrupt COL4A2 protein function with a negative predictive value of 95%. In summary, the available evidence is currently insufficient to determine the role of this variant in disease. Therefore, it has been classified as a Variant of Uncertain Significance.